The following is an entry in ClinVar:

NM_000030.3(AGXT):c.349dup (p.Glu117fs)

Gene: AGXT (alanine--glyoxylate aminotransferase; plus strand). Cytogenetic location: 2q37.3.
Variant type: Duplication.
Coding change: c.349dup on transcript NM_000030.3 (MANE Select); coding-DNA position 349, one base duplicated (G; older notation c.349dupG).
Protein change: p.Glu117fs; shifts the reading frame from glutamic acid 117.
Molecular consequence: frameshift variant.
Genome position (GRCh38, 1-based): chr2:240,869,353, G duplicated; the last of 4 consecutive G bases (chr2:240,869,350-240,869,353); duplicating any one gives the same sequence. VCF-style (leftmost placement, unchanged base first): chr2-240869349-C-CG. GRCh37 (hg19) VCF-style: chr2-241808766-C-CG.
Other names: short protein forms E117fs.
Identifiers: ClinVar variation 2671868 (VCV002671868.1), dbSNP rs2528740471, ClinGen allele CA2586971634.

ClinVar aggregate classification (germline): Pathogenic (1 of 4 stars; one submission).

Conditions:
Primary hyperoxaluria, type I (HP1). Also called: OXALOSIS I; Primary hyperoxaluria type 1; GLYCOLIC ACIDURIA; HEPATIC AGT DEFICIENCY. Identifiers: Orphanet 416, Orphanet 93598, MedGen C0268164, MONDO:0009823, OMIM 259900. Disease mechanism: loss of function.

Submission:

Thalassemia Center, San Luigi University Hospital
Classification: Pathogenic for Primary hyperoxaluria, type I. Last evaluated: 2023-10-27. Review status: criteria provided, single submitter. Criteria: ACMG Guidelines, 2015. Collection method: clinical testing. Allele origin: germline. Affected: yes.
Comment: ACMG:PVS1 PM2 PP4